The following is an entry in ClinVar:

NM_000363.5(TNNI3):c.260G>C (p.Gly87Ala)

Gene: TNNI3 (troponin I3, cardiac type; minus strand). Cytogenetic location: 19q13.42.
Variant type: single nucleotide variant.
Coding change: c.260G>C on transcript NM_000363.5 (MANE Select); coding-DNA position 260, G replaced by C.
Protein change: p.Gly87Ala; replaces glycine 87 with alanine.
Molecular consequence: missense variant.
Genome position (GRCh38, 1-based): chr19:55,156,223, C>G on the plus strand (G>C on the coding strand, the complement: TNNI3 is on the minus strand). VCF-style: chr19-55156223-C-G. GRCh37 (hg19) VCF-style: chr19-55667591-C-G.
Other names: short protein forms G87A.
Identifiers: ClinVar variation 924182 (VCV000924182.4), dbSNP rs2085728343, ClinGen allele CA407441697.

ClinVar aggregate classification (germline): Uncertain significance (1 of 4 stars; one submission).

Conditions:
Cardiomyopathy (CMYO). Also called: Cardiomyopathies. Identifiers: Orphanet 167848, MedGen C0878544, MONDO:0004994, HP:0001638. Inheritance: Various modes of inheritance.

Submission:

Color Diagnostics, LLC DBA Color Health
Classification: Uncertain significance for Cardiomyopathy. Last evaluated: 2024-03-06. Review status: criteria provided, single submitter. Criteria: ACMG Guidelines, 2015. Collection method: clinical testing. Allele origin: germline.
Comment: This missense variant replaces glycine with alanine at codon 87 of the TNNI3 protein. Computational prediction suggests that this variant may have deleterious impact on protein structure and function (internally defined REVEL score threshold >= 0.7, PMID: 27666373). Splice site prediction tools suggest that this variant may not impact RNA splicing. To our knowledge, functional studies have not been performed for this variant. This variant has not been reported in individuals affected with cardiovascular disorders in the literature. This variant has not been identified in the general population by the Genome Aggregation Database (gnomAD). The available evidence is insufficient to determine the role of this variant in disease conclusively. Therefore, this variant is classified as a Variant of Uncertain Significance.